The following is an entry in ClinVar:

NM_003978.5(PSTPIP1):c.22A>G (p.Lys8Glu)

Gene: PSTPIP1 (proline-serine-threonine phosphatase interacting protein 1; plus strand). Cytogenetic location: 15q24.3.
Variant type: single nucleotide variant.
Coding change: c.22A>G on transcript NM_003978.5 (MANE Select); coding-DNA position 22, A replaced by G.
Protein change: p.Lys8Glu; replaces lysine 8 with glutamic acid.
Molecular consequence: missense variant. On other transcripts: 5 prime UTR variant (1), non-coding transcript variant (1).
Genome position (GRCh38, 1-based): chr15:76,995,595, A>G. VCF-style: chr15-76995595-A-G. GRCh37 (hg19) VCF-style: chr15-77287936-A-G.
Other names: c.22A>G, p.Lys8Glu (NM_001321135.2); c.-225A>G (NM_001321136.2); c.217A>G, p.Lys73Glu (NM_001321137.1); short protein forms K73E, K8E.
Identifiers: ClinVar variation 650400 (VCV000650400.9), dbSNP rs199800583, ClinGen allele CA7675645.

ClinVar aggregate classification (germline): Uncertain significance (1 of 4 stars; one submission).

Conditions:
Pyogenic arthritis-pyoderma gangrenosum-acne syndrome (PAPA). Also called: PAPA SYNDROME; FAMILIAL RECURRENT ARTHRITIS. Identifiers: Orphanet 69126, MedGen C1858361, MONDO:0011462, OMIM 604416.

Allele frequency attached by ClinVar (database versions not stated): gnomAD exomes below 0.00001; ExAC 0.00001; gnomAD 0.00001 and 0.00002; TOPMed 0.00001; 1000 Genomes Project 0.00020; 1000 Genomes Project 30x 0.00031.
gnomAD v4.1: 4 of 1,613,782 alleles (0.00025%); highest among the groups gnomAD compares: African/African-American, 0.0053%; no homozygotes.

Submission:

Labcorp Genetics (formerly Invitae), Labcorp
Classification: Uncertain significance for Pyogenic arthritis-pyoderma gangrenosum-acne syndrome. Last evaluated: 2025-02-27. Review status: criteria provided, single submitter. Criteria: Invitae Variant Classification Sherloc (09022015). Collection method: clinical testing. Allele origin: germline.
Comment: This sequence change replaces lysine, which is basic and polar, with glutamic acid, which is acidic and polar, at codon 8 of the PSTPIP1 protein (p.Lys8Glu). This variant is present in population databases (rs199800583, gnomAD 0.008%). This variant has not been reported in the literature in individuals affected with PSTPIP1-related conditions. ClinVar contains an entry for this variant (Variation ID: 650400). An algorithm developed to predict the effect of missense changes on protein structure and function (PolyPhen-2) suggests that this variant is likely to be tolerated. In summary, the available evidence is currently insufficient to determine the role of this variant in disease. Therefore, it has been classified as a Variant of Uncertain Significance.